The following is an entry in ClinVar:

NM_000092.5(COL4A4):c.677G>T (p.Gly226Val)

Gene: COL4A4 (collagen type IV alpha 4 chain; minus strand). Cytogenetic location: 2q36.3.
Variant type: single nucleotide variant.
Coding change: c.677G>T on transcript NM_000092.5 (MANE Select); coding-DNA position 677, G replaced by T.
Protein change: p.Gly226Val; replaces glycine 226 with valine.
Molecular consequence: missense variant.
Genome position (GRCh38, 1-based): chr2:227,108,849, C>A on the plus strand (G>T on the coding strand, the complement: COL4A4 is on the minus strand). VCF-style: chr2-227108849-C-A. GRCh37 (hg19) VCF-style: chr2-227973565-C-A.
Other names: short protein forms G226V.
Identifiers: ClinVar variation 4771023 (VCV004771023.1).

ClinVar aggregate classification (germline): Uncertain significance (1 of 4 stars; one submission).

Submission:

Labcorp Genetics (formerly Invitae), Labcorp
Classification: Uncertain significance. Last evaluated: 2025-03-10. Review status: criteria provided, single submitter. Criteria: Invitae Variant Classification Sherloc (09022015). Collection method: clinical testing. Allele origin: germline.
Comment: This sequence change replaces glycine, which is neutral and non-polar, with valine, which is neutral and non-polar, at codon 226 of the COL4A4 protein (p.Gly226Val). This variant is not present in population databases (gnomAD no frequency). This variant has not been reported in the literature in individuals affected with COL4A4-related conditions. Invitae Evidence Modeling of protein sequence and biophysical properties (such as structural, functional, and spatial information, amino acid conservation, physicochemical variation, residue mobility, and thermodynamic stability) indicates that this missense variant is expected to disrupt COL4A4 protein function with a positive predictive value of 95%. In summary, the available evidence is currently insufficient to determine the role of this variant in disease. Therefore, it has been classified as a Variant of Uncertain Significance.